The following is an entry in ClinVar:

ClinVar aggregate classification (germline): Benign/Likely benign. Review status: criteria provided, multiple submitters, no conflicts (2 of 4 stars). 3 submissions from 3 submitters: Benign (2); Likely benign (1). Last evaluated 2026-02-02.

Conditions:
Dystonic disorder. Also called: Dystonia. Identifiers: MedGen C0013421, MONDO:0003441, HP:0001332.

Allele frequency attached by ClinVar (database versions not stated): 1000 Genomes Project 0.00859; 1000 Genomes Project 30x 0.00874; TOPMed 0.01723; ESP Exome Variant Server 0.01763; gnomAD 0.01850 and 0.01869; gnomAD exomes 0.02001; ExAC 0.03272.

Submissions (3):

Labcorp Genetics (formerly Invitae), Labcorp
Classification: Benign for Dystonic disorder. Last evaluated: 2026-02-02. Review status: criteria provided, single submitter. Criteria: Invitae Variant Classification Sherloc (09022015). Collection method: clinical testing. Allele origin: germline.

GeneDx
Classification: Likely benign. Last evaluated: 2018-07-09. Review status: criteria provided, single submitter. Criteria: GeneDx Variant Classification Process June 2021. Collection method: clinical testing. Allele origin: germline. Affected: yes.
Comment: See Variant Classification Assertion Criteria.

Breakthrough Genomics
Classification: Benign. Review status: criteria provided, single submitter. Criteria: ACMG Guidelines, 2015. Collection method: not provided. Allele origin: germline. Inheritance: Unknown mechanism. Affected: yes.

NM_001131016.2(CIZ1):c.2540G>A (p.Arg847Gln)

Gene: CIZ1 (CDKN1A interacting zinc finger protein 1; minus strand). Cytogenetic location: 9q34.11.
Variant type: single nucleotide variant.
Coding change: c.2540G>A on transcript NM_001131016.2 (MANE Select); coding-DNA position 2540, G replaced by A.
Protein change: p.Arg847Gln; replaces arginine 847 with glutamine.
Molecular consequence: missense variant.
Genome position (GRCh38, 1-based): chr9:128,166,354, C>T on the plus strand (G>A on the coding strand, the complement: CIZ1 is on the minus strand). VCF-style: chr9-128166354-C-T. GRCh37 (hg19) VCF-style: chr9-130928633-C-T.
Other names: c.2372G>A, p.Arg791Gln (NM_001131015.2); c.2357G>A, p.Arg786Gln (NM_001131017.2); c.2300G>A, p.Arg767Gln (NM_001131018.2); c.2708G>A, p.Arg903Gln (NM_001257975.2); c.2237G>A, p.Arg746Gln (NM_001257976.2); c.2540G>A, p.Arg847Gln (NM_012127.3); short protein forms R847Q, R767Q, R791Q, R746Q, R786Q, R903Q.
Identifiers: ClinVar variation 413837 (VCV000413837.13), dbSNP rs11549260, ClinGen allele CA5256972.